The following is an entry in ClinVar:

NM_001184.4(ATR):c.4508G>A (p.Arg1503Gln)

Gene: ATR (ATR checkpoint kinase; minus strand). Cytogenetic location: 3q23.
Variant type: single nucleotide variant.
Coding change: c.4508G>A on transcript NM_001184.4 (MANE Select); coding-DNA position 4508, G replaced by A.
Protein change: p.Arg1503Gln; replaces arginine 1503 with glutamine.
Molecular consequence: missense variant.
Genome position (GRCh38, 1-based): chr3:142,513,634, C>T on the plus strand (G>A on the coding strand, the complement: ATR is on the minus strand). VCF-style: chr3-142513634-C-T. GRCh37 (hg19) VCF-style: chr3-142232476-C-T.
Other names: c.4316G>A, p.Arg1439Gln (NM_001354579.2); c.4508G>A (NM_001184.3); short protein forms R1439Q, R1503Q.
Identifiers: ClinVar variation 2190000 (VCV002190000.5), dbSNP rs755364026, ClinGen allele CA2649823.

ClinVar aggregate classification (germline): Conflicting classifications of pathogenicity. Review status: criteria provided, conflicting classifications (1 of 4 stars). 3 submissions from 3 submitters: Uncertain significance (2); Likely benign (1). Last evaluated 2024-06-26.

Conditions:
Inborn genetic diseases. Identifiers: MedGen C0950123, MeSH D030342.

Allele frequency attached by ClinVar (database versions not stated): gnomAD 0.00001; gnomAD exomes 0.00001; ExAC 0.00002; TOPMed 0.00002.
gnomAD v4.1: 14 of 1,613,434 alleles (0.00087%); highest among the groups gnomAD compares: Middle Eastern, 0.017%; no homozygotes.

Submissions (3):

Blueprint Genetics
Classification: Uncertain significance. Last evaluated: 2024-06-26. Review status: criteria provided, single submitter. Criteria: ACMG Guidelines, 2015. Collection method: clinical testing. Allele origin: germline.

Ambry Genetics
Classification: Likely benign for Inborn genetic diseases. Last evaluated: 2024-03-26. Review status: criteria provided, single submitter. Criteria: Ambry Variant Classification Scheme 2023. Collection method: clinical testing. Allele origin: germline.

Labcorp Genetics (formerly Invitae), Labcorp
Classification: Uncertain significance. Last evaluated: 2023-12-30. Review status: criteria provided, single submitter. Criteria: Invitae Variant Classification Sherloc (09022015). Collection method: clinical testing. Allele origin: germline.
Comment: This sequence change replaces arginine, which is basic and polar, with glutamine, which is neutral and polar, at codon 1503 of the ATR protein (p.Arg1503Gln). This variant is present in population databases (rs755364026, gnomAD 0.03%). This variant has not been reported in the literature in individuals affected with ATR-related conditions. ClinVar contains an entry for this variant (Variation ID: 2190000). An algorithm developed to predict the effect of missense changes on protein structure and function (PolyPhen-2) suggests that this variant is likely to be disruptive. In summary, the available evidence is currently insufficient to determine the role of this variant in disease. Therefore, it has been classified as a Variant of Uncertain Significance.